The following is an entry in ClinVar:

NM_016492.5(RANGRF):c.351+10C>T

Genes: RANGRF (RAN guanine nucleotide release factor; plus strand), SLC25A35 (solute carrier family 25 member 35; minus strand). Cytogenetic location: 17p13.1.
Variant type: single nucleotide variant.
Coding change: c.351+10C>T on transcript NM_016492.5 (MANE Select); 10 bases into the intron after coding-DNA position 351, C replaced by T.
Molecular consequence: intron variant. On other transcripts: nonsense (1), 3 prime UTR variant (2), non-coding transcript variant (1).
Genome position (GRCh38, 1-based): chr17:8,289,424, C>T. VCF-style: chr17-8289424-C-T. GRCh37 (hg19) VCF-style: chr17-8192742-C-T.
Other names: c.361C>T, p.Arg121Ter (NM_001177802.2); c.*59G>A (NM_001320872.2); c.*192G>A (NM_201520.3); c.*42+150G>A (NM_001320871.2); c.351+10C>T (NM_001177801.2, NM_001330127.2); short protein forms R121*.
Identifiers: ClinVar variation 389299 (VCV000389299.5), dbSNP rs773051695, ClinGen allele CA16608705.

ClinVar aggregate classification (germline): Likely benign. Review status: criteria provided, multiple submitters, no conflicts (2 of 4 stars). 2 submissions from 2 submitters: Likely benign (2). Last evaluated 2024-08-11.

Conditions:
Cardiac arrhythmia. Also called: Arrhythmia; Cardiac rhythm disease. Identifiers: MedGen C0003811, MONDO:0007263, HP:0011675.

Allele frequency attached by ClinVar (database versions not stated): TOPMed 0.00002.
gnomAD v4.1: 10 of 1,613,792 alleles (0.00062%); highest among the groups gnomAD compares: Non-Finnish European, 0.00076%; no homozygotes.

Submissions (2):

Labcorp Genetics (formerly Invitae), Labcorp
Classification: Likely benign for Cardiac arrhythmia. Last evaluated: 2024-08-11. Review status: criteria provided, single submitter. Criteria: Invitae Variant Classification Sherloc (09022015). Collection method: clinical testing. Allele origin: germline.

GeneDx
Classification: Likely benign. Last evaluated: 2016-09-15. Review status: criteria provided, single submitter. Criteria: GeneDx Variant Classification (06012015). Collection method: clinical testing. Allele origin: germline. Affected: yes.
Comment: This variant is considered likely benign or benign based on one or more of the following criteria: it is a conservative change, it occurs at a poorly conserved position in the protein, it is predicted to be benign by multiple in silico algorithms, and/or has population frequency not consistent with disease.